The following is an entry in ClinVar:

NM_005857.5(ZMPSTE24):c.652T>G (p.Tyr218Asp)

Gene: ZMPSTE24 (zinc metallopeptidase STE24; plus strand). Cytogenetic location: 1p34.2.
Variant type: single nucleotide variant.
Coding change: c.652T>G on transcript NM_005857.5 (MANE Select); coding-DNA position 652, T replaced by G.
Protein change: p.Tyr218Asp; replaces tyrosine 218 with aspartic acid.
Molecular consequence: missense variant.
Genome position (GRCh38, 1-based): chr1:40,271,918, T>G. VCF-style: chr1-40271918-T-G. GRCh37 (hg19) VCF-style: chr1-40737590-T-G.
Other names: c.652T>G (NM_005857.3); short protein forms Y218D.
Identifiers: ClinVar variation 1385142 (VCV001385142.7), dbSNP rs2124583186, ClinGen allele CA339870598.

ClinVar aggregate classification (germline): Uncertain significance. Review status: criteria provided, multiple submitters, no conflicts (2 of 4 stars). 2 submissions from 2 submitters: Uncertain significance (2). Last evaluated 2025-01-18.

Conditions:
Inborn genetic diseases. Identifiers: MedGen C0950123, MeSH D030342.

Submissions (2):

Ambry Genetics
Classification: Uncertain significance for Inborn genetic diseases. Last evaluated: 2025-01-18. Review status: criteria provided, single submitter. Criteria: Ambry Variant Classification Scheme 2023. Collection method: clinical testing. Allele origin: germline.

Labcorp Genetics (formerly Invitae), Labcorp
Classification: Uncertain significance. Last evaluated: 2021-10-07. Review status: criteria provided, single submitter. Criteria: Invitae Variant Classification Sherloc (09022015). Collection method: clinical testing. Allele origin: germline.
Comment: Algorithms developed to predict the effect of missense changes on protein structure and function are either unavailable or do not agree on the potential impact of this missense change (SIFT: "Not Available"; PolyPhen-2: "Possibly Damaging"; Align-GVGD: "Not Available"). In summary, the available evidence is currently insufficient to determine the role of this variant in disease. Therefore, it has been classified as a Variant of Uncertain Significance. This variant has not been reported in the literature in individuals affected with ZMPSTE24-related conditions. This variant is not present in population databases (ExAC no frequency). This sequence change replaces tyrosine with aspartic acid at codon 218 of the ZMPSTE24 protein (p.Tyr218Asp). There is a large physicochemical difference between tyrosine and aspartic acid.